The following is an entry in ClinVar:

ClinVar aggregate classification (germline): Uncertain significance (1 of 4 stars; one submission).

gnomAD v4.1: 3 of 1,596,224 alleles (0.00019%); highest among the groups gnomAD compares: Middle Eastern, 0.033%; no homozygotes.

Submission:

GeneDx
Classification: Uncertain significance. Last evaluated: 2019-04-17. Review status: criteria provided, single submitter. Criteria: GeneDx Variant Classification Process June 2021. Collection method: clinical testing. Allele origin: germline. Affected: yes.
Comment: Has not been previously published as pathogenic or benign to our knowledge; In silico analysis, which includes splice predictors and evolutionary conservation, supports a deleterious effect

NM_000275.3(OCA2):c.-21-5C>G

Gene: OCA2 (OCA2 melanosomal transmembrane protein; minus strand). Cytogenetic location: 15q13.1.
Variant type: single nucleotide variant.
Coding change: c.-21-5C>G on transcript NM_000275.3 (MANE Select); 5 bases into the intron before 21 bases upstream of the start codon, C replaced by G.
Molecular consequence: intron variant.
Genome position (GRCh38, 1-based): chr15:28,081,900, G>C on the plus strand (C>G on the coding strand, the complement: OCA2 is on the minus strand). VCF-style: chr15-28081900-G-C. GRCh37 (hg19) VCF-style: chr15-28327046-G-C.
Other names: c.-21-5C>G (NM_001300984.2).
Identifiers: ClinVar variation 1305179 (VCV001305179.2), dbSNP rs1333200990, ClinGen allele CA617086297.
Genomic context (GRCh38, chr15:28,081,900, plus strand): 5'-GGGTACCGCCTGCCGTCTCTGCCCTCCAGATGCATGCTCCACTGCCAGTCTTCTCTCTAG[G>C]GCAGCCAGAAAGAAACCACTCTTCATGAAAGGCACACTGAGACTAACGTTTGCACCTTGG-3'